The following is an entry in ClinVar:

ClinVar aggregate classification (germline): Conflicting classifications of pathogenicity. Review status: criteria provided, conflicting classifications (1 of 4 stars). 2 submissions from 2 submitters: Uncertain significance (1); Benign (1). Last evaluated 2022-11-01.

Conditions:
Paroxysmal nonkinesigenic dyskinesia 1 (PNKD1). Also called: PxMD-PNKD; Familial Paroxysmal Nonkinesigenic Dyskinesia; PAROXYSMAL DYSTONIC CHOREOATHETOSIS; Nonkinesigenic choreoathetosis; Familial paroxysmal choreoathetosis; MOUNT-REBACK SYNDROME. Identifiers: Orphanet 98810, MedGen C4551506, MONDO:0700089, OMIM 118800, MONDO:0007326.

Allele frequency attached by ClinVar (database versions not stated): gnomAD 0.00052 and 0.00054; TOPMed 0.00056; gnomAD exomes 0.00065.
gnomAD v4.1: 402 of 650,124 alleles (0.062%); highest among the groups gnomAD compares: Non-Finnish European, 0.096%; 1 homozygote.

Submissions (2):

CeGaT Center for Human Genetics Tuebingen
Classification: Benign. Last evaluated: 2022-11-01. Review status: criteria provided, single submitter. Criteria: CeGaT Center For Human Genetics Tuebingen Variant Classification Criteria Version 2. Collection method: clinical testing. Allele origin: germline. Affected: yes. Observed: 1 variant allele.
Comment: PNKD: BS1, BS2

Illumina Laboratory Services, Illumina
Classification: Uncertain significance for Paroxysmal nonkinesigenic dyskinesia 1. Last evaluated: 2018-01-13. Review status: criteria provided, single submitter. Criteria: ICSL Variant Classification Criteria 13 December 2019. Collection method: clinical testing. Allele origin: germline.

NM_015488.5(PNKD):c.*155C>T

Genes: CATIP-AS2 (CATIP antisense RNA 2; minus strand), PNKD (PNKD metallo-beta-lactamase domain containing; plus strand). Cytogenetic location: 2q35.
Variant type: single nucleotide variant.
Coding change: c.*155C>T on transcript NM_015488.5 (MANE Select); 155 bases downstream of the stop codon, C replaced by T.
Molecular consequence: 3 prime UTR variant.
Genome position (GRCh38, 1-based): chr2:218,345,136, C>T. VCF-style: chr2-218345136-C-T. GRCh37 (hg19) VCF-style: chr2-219209859-C-T.
Other names: c.*155C>T (NM_022572.5).
Identifiers: ClinVar variation 898560 (VCV000898560.28), dbSNP rs753020574, ClinGen allele CA65762216.